The following is an entry in ClinVar:

NM_018429.3(BDP1):c.6960C>T (p.Val2320=)

Gene: BDP1 (BDP1 general transcription factor IIIB subunit; plus strand). Cytogenetic location: 5q13.2.
Variant type: single nucleotide variant.
Coding change: c.6960C>T on transcript NM_018429.3 (MANE Select); coding-DNA position 6960, C replaced by T.
Protein change: p.Val2320=; no amino-acid change (valine 2320 retained).
Molecular consequence: synonymous variant.
Genome position (GRCh38, 1-based): chr5:71,549,571, C>T. VCF-style: chr5-71549571-C-T. GRCh37 (hg19) VCF-style: chr5-70845398-C-T.
Identifiers: ClinVar variation 668386 (VCV000668386.1), dbSNP rs369151682, ClinGen allele CA3297374.
Genomic context (GRCh38, chr5:71,549,571, plus strand): 5'-ATTTACTGATGCCACTGCACAGTTCATGCCAAACCCTTTACTGCCAGCTCCCATATTGGT[C>T]AAATCAGTGAATACCGAAGAAAGGGGTGACATGAGGTAACGAATGAGTGAAACTGTTTTT-3'
Protein context (NP_060899.2, residues 2310-2330): PNPLLPAPIL[Val2320=]KSVNTEERGD

ClinVar aggregate classification (germline): Likely benign (1 of 4 stars; one submission).

Allele frequency attached by ClinVar (database versions not stated): TOPMed below 0.00001; gnomAD 0.00001 and 0.00003; gnomAD exomes 0.00001 and 0.00002; ExAC 0.00003; 1000 Genomes Project 30x 0.00031; 1000 Genomes Project 0.00040.
gnomAD v4.1: 13 of 1,611,402 alleles (0.00081%); highest among the groups gnomAD compares: East Asian, 0.02%; no homozygotes.

Submission:

GeneDx
Classification: Likely benign. Last evaluated: 2018-05-18. Review status: criteria provided, single submitter. Criteria: GeneDx Variant Classification (06012015). Collection method: clinical testing. Allele origin: germline. Affected: yes.
Comment: This variant is considered likely benign or benign based on one or more of the following criteria: it is a conservative change, it occurs at a poorly conserved position in the protein, it is predicted to be benign by multiple in silico algorithms, and/or has population frequency not consistent with disease.